The following is an entry in ClinVar:

NM_000535.7(PMS2):c.1488_1489insTGCC (p.Gly497fs)

Gene: PMS2 (PMS1 homolog 2, mismatch repair system component; minus strand). Cytogenetic location: 7p22.1.
Variant type: Insertion.
Coding change: c.1488_1489insTGCC on transcript NM_000535.7 (MANE Select); coding-DNA positions 1488 to 1489, TGCC inserted.
Protein change: p.Gly497fs; shifts the reading frame from glycine 497.
Molecular consequence: frameshift variant. On other transcripts: non-coding transcript variant (1), intron variant (1).
Genome position: GRCh38 VCF-style: chr7-5987276-C-CGGCA. GRCh37 (hg19) VCF-style: chr7-6026907-C-CGGCA.
Other names: c.1082_1083insCTGC, p.Gly362Cysfs (NM_001018040.1); c.1083_1084insTGCC, p.Gly362fs (NM_001322003.2, NM_001322004.2, NM_001322005.2 and 16 more transcripts); c.1332_1333insTGCC, p.Gly445fs (NM_001322006.2, NM_001406870.1); c.1170_1171insTGCC, p.Gly391fs (NM_001322007.2, NM_001322008.2, NM_001406876.1 and 2 more transcripts); c.927_928insTGCC, p.Gly310fs (NM_001322010.2, NM_001406906.1, NM_001406907.1); c.555_556insTGCC, p.Gly186fs (NM_001322011.2, NM_001322012.2); c.915_916insTGCC, p.Gly306fs (NM_001322013.2, NM_001406909.1); c.1488_1489insTGCC, p.Gly497fs (NM_001322014.2, NM_001406871.1, NM_001406872.1); and 15 more; short protein forms G389fs, G445fs, G461fs, G310fs, G326fs, G339fs, G342fs, G441fs.
Identifiers: ClinVar variation 2774130 (VCV002774130.4), dbSNP rs2535782788, ClinGen allele CA2697553878.
Genomic context (GRCh38, chr7:5,987,276, plus strand): 5'-TGCTGCAGTGACTGCCCGTGTCTGGGATGCTGAACCCCTCAGAATCCACGGAAGTGCTGC[C>CGGCA]GTGCCCCGAGTCCTTCTCCACCTCCGCTCTGTCCGTAGGGTCACTGGGTCCGTGACTGGA-3'

ClinVar aggregate classification (germline): Pathogenic/Likely pathogenic. Review status: criteria provided, multiple submitters, no conflicts (2 of 4 stars). 3 submissions from 3 submitters: Pathogenic (2); Likely pathogenic (1). Last evaluated 2024-12-17.

Conditions:
Lynch syndrome. Identifiers: Orphanet 144, MedGen C4552100, MONDO:0005835. Disease mechanism: loss of function.
Hereditary cancer-predisposing syndrome. Also called: Hereditary neoplastic syndrome; Hereditary Cancer Syndrome; Neoplastic Syndromes, Hereditary; Tumor predisposition. Identifiers: Orphanet 140162, MedGen C0027672, MeSH D009386, MONDO:0015356.

Submissions (3):

Quest Diagnostics Nichols Institute San Juan Capistrano
Classification: Likely pathogenic. Last evaluated: 2024-12-17. Review status: criteria provided, single submitter. Criteria: Quest Diagnostics criteria. Collection method: clinical testing. Allele origin: unknown.
Comment: The PMS2 c.1488_1489insTGCC (p.Gly497Cysfs*9) variant alters the translational reading frame of the PMS2 mRNA and is predicted to cause the premature termination of PMS2 protein synthesis. This variant has not been reported in individuals with PMS2-related conditions in the published literature. This variant has not been reported in large, multi-ethnic general populations (Genome Aggregation Database). Based on the available information, this variant is classified as likely pathogenic.

All of Us Research Program, National Institutes of Health
Classification: Pathogenic for Lynch syndrome. Last evaluated: 2023-06-08. Review status: criteria provided, single submitter. Criteria: ACMG Guidelines, 2015. Collection method: clinical testing. Allele origin: germline. Inheritance: Autosomal dominant inheritance. Observed: 1 variant allele, 1 heterozygote.
Comment: This variant inserts 4 nucleotides in exon 11 of the PMS2 gene, creating a frameshift and premature translation stop signal. This variant is expected to result in an absent or non-functional protein product. To our knowledge, this variant has not been reported in individuals affected with PMS2-related disorders in the literature. This variant has not been identified in the general population by the Genome Aggregation Database (gnomAD). Loss of PMS2 function is a known mechanism of disease. Based on the available evidence, this variant is classified as Pathogenic.

This study involves interpretation of variants in research participants for the purpose of population health screening. Participant phenotype was not available at the time of variant classification. Additional details can be found in publication PMID: 35346344, PMCID: PMC8962531

Color Diagnostics, LLC DBA Color Health
Classification: Pathogenic for Hereditary cancer-predisposing syndrome. Last evaluated: 2023-04-17. Review status: criteria provided, single submitter. Criteria: ACMG Guidelines, 2015. Collection method: clinical testing. Allele origin: germline.
Comment: This variant inserts 4 nucleotides in exon 11 of the PMS2 gene, creating a frameshift and premature translation stop signal. This variant is expected to result in an absent or non-functional protein product. To our knowledge, this variant has not been reported in individuals affected with PMS2-related disorders in the literature. This variant has not been identified in the general population by the Genome Aggregation Database (gnomAD). Loss of PMS2 function is a known mechanism of disease. Based on the available evidence, this variant is classified as Pathogenic.